The following is an entry in ClinVar:

NM_022726.4(ELOVL4):c.106C>T (p.Arg36Cys)

Gene: ELOVL4 (ELOVL fatty acid elongase 4; minus strand). Cytogenetic location: 6q14.1.
Variant type: single nucleotide variant.
Coding change: c.106C>T on transcript NM_022726.4 (MANE Select); coding-DNA position 106, C replaced by T.
Protein change: p.Arg36Cys; replaces arginine 36 with cysteine.
Molecular consequence: missense variant.
Genome position (GRCh38, 1-based): chr6:79,926,376, G>A on the plus strand (C>T on the coding strand, the complement: ELOVL4 is on the minus strand). VCF-style: chr6-79926376-G-A. GRCh37 (hg19) VCF-style: chr6-80636093-G-A.
Other names: short protein forms R36C.
Identifiers: ClinVar variation 1186226 (VCV001186226.3), dbSNP rs1297431402, ClinGen allele CA364657659.

ClinVar aggregate classification (germline): Uncertain significance (1 of 4 stars; one submission).

Allele frequency attached by ClinVar (database versions not stated): gnomAD exomes below 0.00001; TOPMed below 0.00001.
gnomAD v4.1: 8 of 1,613,360 alleles (0.0005%); highest among the groups gnomAD compares: South Asian, 0.0011%; no homozygotes.

Submission:

GeneDx
Classification: Uncertain significance. Last evaluated: 2023-11-18. Review status: criteria provided, single submitter. Criteria: GeneDx Variant Classification Process June 2021. Collection method: clinical testing. Allele origin: germline. Affected: yes.
Comment: Not observed at significant frequency in large population cohorts (gnomAD); In silico analysis supports that this missense variant has a deleterious effect on protein structure/function; Has not been previously published as pathogenic or benign to our knowledge